The following is an entry in ClinVar:

ClinVar aggregate classification (germline): Uncertain significance (1 of 4 stars; one submission).

Conditions:
Leber congenital amaurosis 9 (LCA9). Also called: LCA9 Leber Congenital Amaurosis; LCA 9; Amaurosis congenita of Leber, type 9. Identifiers: Orphanet 65, MedGen C1837873, MONDO:0012056, OMIM 608553.

Allele frequency attached by ClinVar (database versions not stated): gnomAD exomes below 0.00001; ExAC 0.00001; gnomAD 0.00001; 1000 Genomes Project 0.00020; 1000 Genomes Project 30x 0.00031.
gnomAD v4.1: 2 of 1,613,792 alleles (0.00012%); highest among the groups gnomAD compares: East Asian, 0.0022%; no homozygotes.

Submission:

Labcorp Genetics (formerly Invitae), Labcorp
Classification: Uncertain significance for Leber congenital amaurosis 9. Last evaluated: 2020-02-02. Review status: criteria provided, single submitter. Criteria: Invitae Variant Classification Sherloc (09022015). Collection method: clinical testing. Allele origin: germline.
Comment: In summary, the available evidence is currently insufficient to determine the role of this variant in disease. Therefore, it has been classified as a Variant of Uncertain Significance. Algorithms developed to predict the effect of missense changes on protein structure and function (SIFT, PolyPhen-2, Align-GVGD) all suggest that this variant is likely to be tolerated, but these predictions have not been confirmed by published functional studies and their clinical significance is uncertain. This variant has not been reported in the literature in individuals with NMNAT1-related conditions. This variant is present in population databases (rs547859415, ExAC 0.01%). This sequence change replaces tryptophan with cysteine at codon 129 of the NMNAT1 protein (p.Trp129Cys). The tryptophan residue is weakly conserved and there is a large physicochemical difference between tryptophan and cysteine.

NM_022787.4(NMNAT1):c.387G>T (p.Trp129Cys)

Gene: NMNAT1 (nicotinamide nucleotide adenylyltransferase 1; plus strand). Cytogenetic location: 1p36.22.
Variant type: single nucleotide variant.
Coding change: c.387G>T on transcript NM_022787.4 (MANE Select); coding-DNA position 387, G replaced by T.
Protein change: p.Trp129Cys; replaces tryptophan 129 with cysteine.
Molecular consequence: missense variant.
Genome position (GRCh38, 1-based): chr1:9,981,118, G>T. VCF-style: chr1-9981118-G-T. GRCh37 (hg19) VCF-style: chr1-10041176-G-T.
Other names: c.387G>T, p.Trp129Cys (NM_001297778.1, NM_001297779.2); short protein forms W129C.
Identifiers: ClinVar variation 1004875 (VCV001004875.5), dbSNP rs547859415, ClinGen allele CA579218.
Genomic context (GRCh38, chr1:9,981,118, plus strand): 5'-TGACTGTGATCACCAGCAGAACTCACCTACTCTAGAAAGGCCTGGAAGGAAGAGGAAGTG[G>T]ACTGAAACACAAGATTCTAGTCAAAAGAAATCCCTAGAGCCAAAAACAAAAGGTTTGTAT-3'
Protein context (NP_073624.2, residues 119-139): TLERPGRKRK[Trp129Cys]TETQDSSQKK